The following is an entry in ClinVar:

ClinVar aggregate classification (germline): Uncertain significance (1 of 4 stars; one submission).

Allele frequency attached by ClinVar (database versions not stated): 1000 Genomes Project 0.00026; 1000 Genomes Project 30x 0.00062.
gnomAD v4.1: 14 of 960,432 alleles (0.0015%); highest among the groups gnomAD compares: African/African-American, 0.0082%; no homozygotes.

Submission:

Labcorp Genetics (formerly Invitae), Labcorp
Classification: Uncertain significance. Last evaluated: 2023-01-21. Review status: criteria provided, single submitter. Criteria: Invitae Variant Classification Sherloc (09022015). Collection method: clinical testing. Allele origin: germline.
Comment: In summary, the available evidence is currently insufficient to determine the role of this variant in disease. Therefore, it has been classified as a Variant of Uncertain Significance. Algorithms developed to predict the effect of missense changes on protein structure and function output the following: SIFT: "Tolerated"; PolyPhen-2: "Not Available"; Align-GVGD: "Class C0". The asparagine amino acid residue is found in multiple mammalian species, which suggests that this missense change does not adversely affect protein function. ClinVar contains an entry for this variant (Variation ID: 1522075). This variant has not been reported in the literature in individuals affected with LAGE3-related conditions. This variant is present in population databases (rs782761326, gnomAD 0.02%). This sequence change replaces aspartic acid, which is acidic and polar, with asparagine, which is neutral and polar, at codon 3 of the LAGE3 protein (p.Asp3Asn).

NM_006014.5(LAGE3):c.7G>A (p.Asp3Asn)

Gene: LAGE3 (L antigen family member 3; minus strand). Cytogenetic location: Xq28.
Variant type: single nucleotide variant.
Coding change: c.7G>A on transcript NM_006014.5 (MANE Select); coding-DNA position 7, G replaced by A.
Protein change: p.Asp3Asn; replaces aspartic acid 3 with asparagine.
Molecular consequence: missense variant.
Genome position (GRCh38, 1-based): chrX:154,478,909, C>T on the plus strand (G>A on the coding strand, the complement: LAGE3 is on the minus strand). VCF-style: chrX-154478909-C-T. GRCh37 (hg19) VCF-style: chrX-153707248-C-T.
Other names: short protein forms D3N.
Identifiers: ClinVar variation 1522075 (VCV001522075.6), dbSNP rs782761326, ClinGen allele CA415195236.
Genomic context (GRCh38, chrX:154,478,909, plus strand): 5'-AGCTGTGGCCACCCCGGCCATCCCCGCCGTCAGCGCCTCCGCCTGCGTCTGCATCCGCGT[C>T]CCGCATGACCGCCGCCGCGCCGCTCCGACTCCACCCCCGAAGCGCAGGTCCTACGCCCCG-3'
Protein context (NP_006005.2, residues 1-13): MR[Asp3Asn]ADADAGGGAD